The following is an entry in ClinVar:

NM_000038.6(APC):c.6025C>T (p.Pro2009Ser)

Gene: APC (APC regulator of Wnt signaling pathway; plus strand). Cytogenetic location: 5q22.2.
Variant type: single nucleotide variant.
Coding change: c.6025C>T on transcript NM_000038.6 (MANE Select); coding-DNA position 6025, C replaced by T.
Protein change: p.Pro2009Ser; replaces proline 2009 with serine.
Molecular consequence: missense variant. On other transcripts: non-coding transcript variant (2).
Genome position (GRCh38, 1-based): chr5:112,841,619, C>T. VCF-style: chr5-112841619-C-T. GRCh37 (hg19) VCF-style: chr5-112177316-C-T.
Other names: c.6025C>T, p.Pro2009Ser (NM_001127510.3, NM_001354895.2, NM_001407450.1); c.5971C>T, p.Pro1991Ser (NM_001127511.3); c.6079C>T, p.Pro2027Ser (NM_001354896.2, NM_001407447.1, NM_001407448.1 and 1 more transcripts); c.6055C>T, p.Pro2019Ser (NM_001354897.2); c.5950C>T, p.Pro1984Ser (NM_001354898.2); c.5941C>T, p.Pro1981Ser (NM_001354899.2); c.5902C>T, p.Pro1968Ser (NM_001354900.2); c.5848C>T, p.Pro1950Ser (NM_001354901.2, NM_001407453.1); and 11 more; short protein forms P1880S, P1991S, P2019S, P1849S, P1984S, P2002S, P2027S, P1883S.
Identifiers: ClinVar variation 5026165 (VCV005026165.1).
Genomic context (GRCh38, chr5:112,841,619, plus strand): 5'-GAGACTGAGCCCCCTGACTCACAGGGAGAACCAAGTAAACCTCAAGCATCAGGCTATGCT[C>T]CTAAATCATTTCATGTTGAAGATACCCCAGTTTGTTTCTCAAGAAACAGTTCTCTCAGTT-3'
Protein context (NP_000029.2, residues 1999-2019): PSKPQASGYA[Pro2009Ser]KSFHVEDTPV

ClinVar aggregate classification (germline): Uncertain significance (1 of 4 stars; one submission).

Conditions:
Hereditary cancer-predisposing syndrome. Also called: Neoplastic Syndromes, Hereditary; Tumor predisposition; Hereditary neoplastic syndrome; Hereditary Cancer Syndrome. Identifiers: Orphanet 140162, MedGen C0027672, MeSH D009386, MONDO:0015356.

Submission:

Ambry Genetics
Classification: Uncertain significance for Hereditary cancer-predisposing syndrome. Last evaluated: 2026-09-10. Review status: criteria provided, single submitter. Criteria: Ambry Variant Classification Scheme 2023. Collection method: clinical testing. Allele origin: germline.
Comment: The p.P2009S variant (also known as c.6025C>T), located in coding exon 15 of the APC gene, results from a C to T substitution at nucleotide position 6025. The proline at codon 2009 is replaced by serine, an amino acid with similar properties. This amino acid position is conserved. In addition, in silico predictors for this gene do not accurately predict pathogenicity. Based on the available evidence, the clinical significance of this variant remains unclear.